The following is an entry in ClinVar:

ClinVar aggregate classification (germline): Uncertain significance (1 of 4 stars; one submission).

Allele frequency attached by ClinVar (database versions not stated): gnomAD exomes below 0.00001; gnomAD 0.00001; TOPMed 0.00002.
gnomAD v4.1: 2 of 1,614,046 alleles (0.00012%); highest among the groups gnomAD compares: African/African-American, 0.0027%; no homozygotes.

Submission:

Labcorp Genetics (formerly Invitae), Labcorp
Classification: Uncertain significance. Last evaluated: 2026-02-02. Review status: criteria provided, single submitter. Criteria: Invitae Variant Classification Sherloc (09022015). Collection method: clinical testing. Allele origin: germline.
Comment: This sequence change falls in intron 35 of the ABCA4 gene. It does not directly change the encoded amino acid sequence of the ABCA4 protein. It affects a nucleotide within the consensus splice site. This variant is not present in population databases (gnomAD no frequency). This variant has not been reported in the literature in individuals affected with ABCA4-related conditions. ClinVar contains an entry for this variant (Variation ID: 1508271). Variants that disrupt the consensus splice site are a relatively common cause of aberrant splicing (PMID: 17576681, 9536098). Algorithms developed to predict the effect of sequence changes on RNA splicing suggest that this variant is not likely to affect RNA splicing. In summary, the available evidence is currently insufficient to determine the role of this variant in disease. Therefore, it has been classified as a Variant of Uncertain Significance.

Literature cited by the submitters: PubMed 17576681; PubMed 9536098.

NM_000350.3(ABCA4):c.5018+6C>T

Genes: ABCA4 (ATP binding cassette subfamily A member 4; minus strand), LOC126805793 (CDK7 strongly-dependent group 2 enhancer GRCh37_chr1:94486302-94487501; plus strand). Cytogenetic location: 1p22.1.
Variant type: single nucleotide variant.
Coding change: c.5018+6C>T on transcript NM_000350.3 (MANE Select); 6 bases into the intron after coding-DNA position 5018, C replaced by T.
Molecular consequence: intron variant.
Genome position (GRCh38, 1-based): chr1:94,021,234, G>A on the plus strand (C>T on the coding strand, the complement: ABCA4 is on the minus strand). VCF-style: chr1-94021234-G-A. GRCh37 (hg19) VCF-style: chr1-94486790-G-A.
Identifiers: ClinVar variation 1508271 (VCV001508271.6), dbSNP rs905914397, ClinGen allele CA26844793.